The following is an entry in ClinVar:

ClinVar aggregate classification (germline): Uncertain significance. Review status: criteria provided, multiple submitters, no conflicts (2 of 4 stars). 3 submissions from 3 submitters: Uncertain significance (3). Last evaluated 2023-09-26.

Conditions:
Isolated focal cortical dysplasia type II (FCORD2). Also called: Focal cortical dysplasia type II; CORTICAL DYSPLASIA OF TAYLOR. Identifiers: Orphanet 268994, MedGen C1846385, MONDO:0011818, OMIM 607341, HP:0032051.
Tuberous sclerosis syndrome (TSC). Also called: Tuberous Sclerosis Complex; Tuberous sclerosis. Identifiers: Orphanet 805, MedGen C0041341, MONDO:0001734.
Tuberous sclerosis 1 (TSC1). Identifiers: Orphanet 805, MedGen C1854465, MONDO:0008612, OMIM 191100.

Submissions (3):

Baylor Genetics
Classification: Uncertain significance for Isolated focal cortical dysplasia type II. Last evaluated: 2023-09-26. Review status: criteria provided, single submitter. Criteria: ACMG Guidelines, 2015. Collection method: clinical testing. Allele origin: unknown.

All of Us Research Program, National Institutes of Health
Classification: Uncertain significance for Tuberous sclerosis syndrome. Last evaluated: 2023-05-16. Review status: criteria provided, single submitter. Criteria: ACMG Guidelines, 2015. Collection method: clinical testing. Allele origin: germline. Inheritance: Autosomal dominant inheritance. Observed: 1 variant allele, 1 heterozygote.
Comment: This variant causes a C to G nucleotide substitution at the -5 position of intron 10 of the TSC1 gene. Splice site prediction tools are inconclusive regarding the impact of this variant on RNA splicing. To our knowledge, functional studies have not been reported for this variant. This variant has not been reported in individuals affected with TSC1-related disorders in the literature. This variant has not been identified in the general population by the Genome Aggregation Database (gnomAD). The available evidence is insufficient to determine the role of this variant in disease conclusively. Therefore, this variant is classified as a Variant of Uncertain Significance.

This study involves interpretation of variants in research participants for the purpose of population health screening. Participant phenotype was not available at the time of variant classification. Additional details can be found in publication PMID: 35346344, PMCID: PMC8962531

Labcorp Genetics (formerly Invitae), Labcorp
Classification: Uncertain significance for Tuberous sclerosis 1. Last evaluated: 2022-05-18. Review status: criteria provided, single submitter. Criteria: Invitae Variant Classification Sherloc (09022015). Collection method: clinical testing. Allele origin: germline.
Comment: ClinVar contains an entry for this variant (Variation ID: 639266). Algorithms developed to predict the effect of sequence changes on RNA splicing suggest that this variant may disrupt the consensus splice site. In summary, the available evidence is currently insufficient to determine the role of this variant in disease. Therefore, it has been classified as a Variant of Uncertain Significance. This sequence change falls in intron 10 of the TSC1 gene. It does not directly change the encoded amino acid sequence of the TSC1 protein. This variant is not present in population databases (gnomAD no frequency). This variant has not been reported in the literature in individuals affected with TSC1-related conditions.

NM_000368.5(TSC1):c.1030-5C>G

Gene: TSC1 (TSC complex subunit 1; minus strand). Cytogenetic location: 9q34.13.
Variant type: single nucleotide variant.
Coding change: c.1030-5C>G on transcript NM_000368.5 (MANE Select); 5 bases into the intron before coding-DNA position 1030, C replaced by G.
Molecular consequence: intron variant.
Genome position (GRCh38, 1-based): chr9:132,911,118, G>C on the plus strand (C>G on the coding strand, the complement: TSC1 is on the minus strand). VCF-style: chr9-132911118-G-C. GRCh37 (hg19) VCF-style: chr9-135786505-G-C.
Other names: c.667-5C>G (NM_001362177.2); c.877-5C>G (NM_001162427.2); c.1030-5C>G (NM_001162426.2).
Identifiers: ClinVar variation 639266 (VCV000639266.10), dbSNP rs1588323218, ClinGen allele CA915947252.